The following is an entry in ClinVar:

NM_001844.5(COL2A1):c.504C>A (p.Gly168=)

Gene: COL2A1 (collagen type II alpha 1 chain; minus strand). Cytogenetic location: 12q13.11.
Variant type: single nucleotide variant.
Coding change: c.504C>A on transcript NM_001844.5 (MANE Select); coding-DNA position 504, C replaced by A.
Protein change: p.Gly168=; no amino-acid change (glycine 168 retained).
Molecular consequence: synonymous variant.
Genome position (GRCh38, 1-based): chr12:47,997,633, G>T on the plus strand (C>A on the coding strand, the complement: COL2A1 is on the minus strand). VCF-style: chr12-47997633-G-T. GRCh37 (hg19) VCF-style: chr12-48391416-G-T.
Other names: p.Gly168=; c.297C>A, p.Gly99= (NM_033150.3).
Identifiers: ClinVar variation 198471 (VCV000198471.28), dbSNP rs3737548, ClinGen allele CA203468.

ClinVar aggregate classification (germline): Benign. Review status: criteria provided, multiple submitters, no conflicts (2 of 4 stars). 13 submissions from 12 submitters: Benign (10). 3 of the submissions do not count toward it. Last evaluated 2026-05-08.

Conditions:
Type 2 collagenopathy. Identifiers: Orphanet 93421, MedGen C2931073, MONDO:0022800.
Stickler syndrome type 1 (STL1). Also called: COL2A1-Related Stickler Syndrome; STICKLER SYNDROME, MEMBRANOUS VITREOUS TYPE; STICKLER SYNDROME, VITREOUS TYPE 1; ARTHROOPHTHALMOPATHY, HEREDITARY PROGRESSIVE. Identifiers: Orphanet 828, Orphanet 90653, MedGen C2020284, MONDO:0007160, OMIM 108300.

Allele frequency attached by ClinVar (database versions not stated): TOPMed 0.20574; 1000 Genomes Project 30x 0.21549; 1000 Genomes Project 0.21925; gnomAD 0.20086 and 0.20405; ESP Exome Variant Server 0.20145.
gnomAD v4.1: 349,606 of 1,613,434 alleles (22%); highest among the groups gnomAD compares: East Asian, 29%; 39,107 homozygotes.

Submissions (13):

Women's Health and Genetics/Laboratory Corporation of America, LabCorp
Classification: Benign. Last evaluated: 2026-05-08. Review status: criteria provided, single submitter. Criteria: LabCorp Variant Classification Summary - May 2015. Collection method: clinical testing. Allele origin: germline.

Labcorp Genetics (formerly Invitae), Labcorp
Classification: Benign. Last evaluated: 2026-02-04. Review status: criteria provided, single submitter. Criteria: Invitae Variant Classification Sherloc (09022015). Collection method: clinical testing. Allele origin: germline.

Blueprint Genetics
Classification: Benign. Last evaluated: 2024-11-27. Review status: criteria provided, single submitter. Criteria: ACMG Guidelines, 2015. Collection method: clinical testing. Allele origin: germline.

Mayo Clinic Laboratories, Mayo Clinic
Classification: Benign. Last evaluated: 2020-10-02. Review status: criteria provided, single submitter. Criteria: ACMG Guidelines, 2015. Collection method: clinical testing. Allele origin: germline. Observed: 70 variant alleles.

Illumina Laboratory Services, Illumina
Classification: Benign for Stickler syndrome type 1. Last evaluated: 2018-01-12. Review status: criteria provided, single submitter. Criteria: ICSL Variant Classification Criteria 13 December 2019. Collection method: clinical testing. Allele origin: germline.
Comment: This variant was observed in the ICSL laboratory as part of a predisposition screen in an ostensibly healthy population. It had not been previously curated by ICSL or reported in the Human Gene Mutation Database (HGMD: prior to June 1st, 2018), and was therefore a candidate for classification through an automated scoring system. Utilizing variant allele frequency, disease prevalence and penetrance estimates, and inheritance mode, an automated score was calculated to assess if this variant is too frequent to cause the disease. Based on the score and internal cut-off values, a variant classified as benign is not then subjected to further curation. The score for this variant resulted in a classification of benign for this disease.

Illumina Laboratory Services, Illumina
Classification: Benign for Type II Collagenopathies. Last evaluated: 2018-01-12. Review status: criteria provided, single submitter. Criteria: ICSL Variant Classification Criteria 13 December 2019. Collection method: clinical testing. Allele origin: germline.
Comment: the same text as in the submission from Illumina Laboratory Services, Illumina above.

GeneDx
Classification: Benign. Last evaluated: 2016-03-21. Review status: criteria provided, single submitter. Criteria: GeneDx Variant Classification (06012015). Collection method: clinical testing. Allele origin: germline. Affected: yes.
Comment: This variant is considered likely benign or benign based on one or more of the following criteria: it is a conservative change, it occurs at a poorly conserved position in the protein, it is predicted to be benign by multiple in silico algorithms, and/or has population frequency not consistent with disease.

Eurofins Ntd Llc (ga)
Classification: Benign. Last evaluated: 2015-09-18. Review status: criteria provided, single submitter. Criteria: EGL Classification Definitions 2015. Collection method: clinical testing. Allele origin: germline. Observed: 24 variant alleles, 19 heterozygotes, 5 homozygotes.

Breakthrough Genomics
Classification: Benign. Review status: criteria provided, single submitter. Criteria: ACMG Guidelines, 2015. Collection method: not provided. Allele origin: germline. Inheritance: Autosomal dominant inheritance. Affected: yes.

PreventionGenetics, part of Exact Sciences
Classification: Benign. Review status: criteria provided, single submitter. Criteria: ACMG Guidelines, 2015. Collection method: clinical testing. Allele origin: germline.

Diagnostic Laboratory, Department of Genetics, University Medical Center Groningen
Classification: Benign. Review status: no assertion criteria provided. Collection method: clinical testing. Allele origin: germline. Affected: yes. Study: VKGL Data-share Consensus. Not counted in ClinVar's aggregate classification.

Genome Diagnostics Laboratory, Amsterdam University Medical Center
Classification: Benign. Review status: no assertion criteria provided. Collection method: clinical testing. Allele origin: germline. Affected: yes. Study: VKGL Data-share Consensus. Not counted in ClinVar's aggregate classification.

Joint Genome Diagnostic Labs from Nijmegen and Maastricht, Radboudumc and MUMC+
Classification: Benign. Review status: no assertion criteria provided. Collection method: clinical testing. Allele origin: germline. Affected: yes. Study: VKGL Data-share Consensus. Not counted in ClinVar's aggregate classification.